The following is an entry in ClinVar:

ClinVar aggregate classification (germline): Uncertain significance. Review status: criteria provided, multiple submitters, no conflicts (2 of 4 stars). 2 submissions from 2 submitters: Uncertain significance (2). Last evaluated 2026-07-19.

Conditions:
Inborn genetic diseases. Identifiers: MedGen C0950123, MeSH D030342.

gnomAD v4.1: 6 of 1,613,956 alleles (0.00037%); highest among the groups gnomAD compares: South Asian, 0.0044%; no homozygotes.

Submissions (2):

Ambry Genetics
Classification: Uncertain significance for Inborn genetic diseases. Last evaluated: 2026-07-19. Review status: criteria provided, single submitter. Criteria: Ambry Variant Classification Scheme 2023. Collection method: clinical testing. Allele origin: germline.

CeGaT Center for Human Genetics Tuebingen
Classification: Uncertain significance. Last evaluated: 2024-09-01. Review status: criteria provided, single submitter. Criteria: CeGaT Center For Human Genetics Tuebingen Variant Classification Criteria Version 2. Collection method: clinical testing. Allele origin: germline. Affected: yes. Observed: 1 variant allele.
Comment: MYO3A: PM2

NM_017433.5(MYO3A):c.4502C>T (p.Thr1501Ile)

Gene: MYO3A (myosin IIIA; plus strand). Cytogenetic location: 10p12.1.
Variant type: single nucleotide variant.
Coding change: c.4502C>T on transcript NM_017433.5 (MANE Select); coding-DNA position 4502, C replaced by T.
Protein change: p.Thr1501Ile; replaces threonine 1501 with isoleucine.
Molecular consequence: missense variant.
Genome position (GRCh38, 1-based): chr10:26,193,268, C>T. VCF-style: chr10-26193268-C-T. GRCh37 (hg19) VCF-style: chr10-26482197-C-T.
Other names: c.4502C>T (NM_017433.4); short protein forms T1501I.
Identifiers: ClinVar variation 3389738 (VCV003389738.15).
Genomic context (GRCh38, chr10:26,193,268, plus strand): 5'-TCTGTAAAGGAGAGGAGCCAAAAATATTGAGACCCCCAAGACGACCCCGGAAACCCAAAA[C>T]ATTAAATAACCCTGAAGACTCCACATACTATTATCTACTTCATGTAAGTGGCTCACTCTT-3'
Protein context (NP_059129.3, residues 1491-1511): RPPRRPRKPK[Thr1501Ile]LNNPEDSTYY